The following is an entry in ClinVar:

ClinVar aggregate classification (germline): Uncertain significance (1 of 4 stars; one submission).

gnomAD v4.1: 2 of 1,614,000 alleles (0.00012%); highest among the groups gnomAD compares: Non-Finnish European, 0.00017%; no homozygotes.

Submission:

GeneDx
Classification: Uncertain significance. Last evaluated: 2014-05-23. Review status: criteria provided, single submitter. Criteria: GeneDx Variant Classification (06012015). Collection method: clinical testing. Allele origin: germline. Affected: yes.
Comment: Missense variants in the TTN gene are considered 'unclassified' if they are not previously reported in the literature and do not have >1% frequency in the population to be considered a polymorphism. Research indicates that truncating mutations in the TTN gene are expected to account for approximately 25% of familial and 18% of sporadic idiopathic DCM; however, truncating variants in the TTN gene have been reported in approximately 3% of reported control alleles. There has been little investigation into non-truncating variants. (Herman D et al. Truncations of titin causing dilated cardiomyopathy. N Eng J Med 366:619-628, 2012) The variant is found in CARDIOMYOPATHY panel(s).

NM_001267550.2(TTN):c.4526A>C (p.Glu1509Ala)

Genes: TTN (titin; minus strand), LOC101927055 (uncharacterized LOC101927055; plus strand). Cytogenetic location: 2q31.2.
Variant type: single nucleotide variant.
Coding change: c.4526A>C on transcript NM_001267550.2 (MANE Select); coding-DNA position 4526, A replaced by C.
Protein change: p.Glu1509Ala; replaces glutamic acid 1509 with alanine.
Molecular consequence: missense variant. On other transcripts: non-coding transcript variant (1).
Genome position (GRCh38, 1-based): chr2:178,777,539, T>G on the plus strand (A>C on the coding strand, the complement: TTN is on the minus strand). VCF-style: chr2-178777539-T-G. GRCh37 (hg19) VCF-style: chr2-179642266-T-G.
Other names: p.E1509A:GAA>GCA; c.4388A>C, p.Glu1463Ala (NM_003319.4, NM_133432.3, NM_133437.4); c.4526A>C, p.Glu1509Ala (NM_133378.4, NM_133379.5, NM_001256850.1); short protein forms E1509A, E1463A.
Identifiers: ClinVar variation 203131 (VCV000203131.2), dbSNP rs794729575, ClinGen allele CA311359.
Genomic context (GRCh38, chr2:178,777,539, plus strand): 5'-GTCCATTCCCCAGAATCACTGGGTGTGGCAGGGACAATAATTAGTGATTGAGTACCATCT[T>G]CTTTAATGACTACTTTATGGGTATAGTCATTGACAATTTGCTGGCCTGTGAAAATATGTT-3'
Protein context (NP_001254479.2, residues 1499-1519): NDYTHKVVIK[Glu1509Ala]DGTQSLIIVP